The following is an entry in ClinVar:

NM_003922.4(HERC1):c.3643C>T (p.Arg1215Trp)

Gene: HERC1 (HECT and RLD domain containing E3 ubiquitin protein ligase family member 1; minus strand). Cytogenetic location: 15q22.31.
Variant type: single nucleotide variant.
Coding change: c.3643C>T on transcript NM_003922.4 (MANE Select); coding-DNA position 3643, C replaced by T.
Protein change: p.Arg1215Trp; replaces arginine 1215 with tryptophan.
Molecular consequence: missense variant.
Genome position (GRCh38, 1-based): chr15:63,723,281, G>A on the plus strand (C>T on the coding strand, the complement: HERC1 is on the minus strand). VCF-style: chr15-63723281-G-A. GRCh37 (hg19) VCF-style: chr15-64015480-G-A.
Other names: short protein forms R1215W.
Identifiers: ClinVar variation 1953851 (VCV001953851.5), dbSNP rs748836788, ClinGen allele CA7605995.

ClinVar aggregate classification (germline): Uncertain significance (1 of 4 stars; one submission).

Allele frequency attached by ClinVar (database versions not stated): TOPMed below 0.00001; gnomAD 0.00001; gnomAD exomes 0.00001; ExAC 0.00006.
gnomAD v4.1: 11 of 1,596,510 alleles (0.00069%); highest among the groups gnomAD compares: African/African-American, 0.0013%; no homozygotes.

Submission:

Labcorp Genetics (formerly Invitae), Labcorp
Classification: Uncertain significance. Last evaluated: 2023-04-05. Review status: criteria provided, single submitter. Criteria: Invitae Variant Classification Sherloc (09022015). Collection method: clinical testing. Allele origin: germline.
Comment: This variant has not been reported in the literature in individuals affected with HERC1-related conditions. ClinVar contains an entry for this variant (Variation ID: 1953851). An algorithm developed to predict the effect of missense changes on protein structure and function (PolyPhen-2) suggests that this variant is likely to be tolerated. In summary, the available evidence is currently insufficient to determine the role of this variant in disease. Therefore, it has been classified as a Variant of Uncertain Significance. This sequence change replaces arginine, which is basic and polar, with tryptophan, which is neutral and slightly polar, at codon 1215 of the HERC1 protein (p.Arg1215Trp). The frequency data for this variant in the population databases is considered unreliable, as metrics indicate poor data quality at this position in the gnomAD database.